The following is an entry in ClinVar:

ClinVar aggregate classification (germline): Conflicting classifications of pathogenicity. Review status: criteria provided, conflicting classifications (1 of 4 stars). 2 submissions from 2 submitters: Uncertain significance (1); Likely benign (1). Last evaluated 2024-07-31.

Conditions:
Deafness-lymphedema-leukemia syndrome. Also called: Lymphedema, primary, with myelodysplasia; Emberger syndrome. Identifiers: Orphanet 3226, MedGen C3279664, MONDO:0013540, OMIM 614038.
Monocytopenia with susceptibility to infections. Also called: MONOCYTOPENIA AND MYCOBACTERIAL INFECTION SYNDROME; MONOCYTOPENIA WITH SUSCEPTIBILITY TO MYCOBACTERIAL, FUNGAL, AND PAPILLOMAVIRUS INFECTIONS AND MYELODYSPLASIA; COMBINED IMMUNODEFICIENCY WITH SUSCEPTIBILITY TO MYCOBACTERIAL, VIRAL, AND FUNGAL INFECTIONS; Dendritic cell, monocyte, B lymphocyte, and natural killer lymphocyte deficiency; IMMUNODEFICIENCY 21; GATA2 DEFICIENCY. Identifiers: Orphanet 228423, MedGen C3280030, MONDO:0013607, OMIM 614172.

Submissions (2):

GeneDx
Classification: Uncertain significance. Last evaluated: 2024-07-31. Review status: criteria provided, single submitter. Criteria: GeneDx Variant Classification Process June 2021. Collection method: clinical testing. Allele origin: germline.
Comment: In silico analysis indicates that this variant does not alter splicing; Has not been previously published as pathogenic or benign to our knowledge; No data available from control populations to assess the frequency of this variant

Labcorp Genetics (formerly Invitae), Labcorp
Classification: Likely benign for Monocytopenia with susceptibility to infections; Deafness-lymphedema-leukemia syndrome. Last evaluated: 2024-05-29. Review status: criteria provided, single submitter. Criteria: Invitae Variant Classification Sherloc (09022015). Collection method: clinical testing. Allele origin: germline.

NM_032638.5(GATA2):c.1017+565_1017+566del

Gene: GATA2 (GATA binding protein 2; minus strand). Cytogenetic location: 3q21.3.
Variant type: Deletion.
Coding change: c.1017+565_1017+566del on transcript NM_032638.5 (MANE Select); bases 565 to 566 of the intron after coding-DNA position 1017, 2 bases deleted (CT; older notation c.1017+565_1017+566delCT).
Molecular consequence: intron variant.
Genome position (GRCh38, 1-based): chr3:128,483,294-128,483,295, AG deleted on the plus strand (CT on the coding strand, the reverse complement: GATA2 is on the minus strand); deleting any 2 consecutive bases within chr3:128,483,294-128,483,296 gives the same sequence; the c. name uses the placement nearest the transcript's 3' end. VCF-style (leftmost placement, unchanged base first): chr3-128483293-CAG-C. GRCh37 (hg19) VCF-style: chr3-128202136-CAG-C.
Other names: c.1017+565_1017+566del (NM_001145662.1, NM_001145661.2).
Identifiers: ClinVar variation 2573874 (VCV002573874.5), dbSNP rs1246380412, ClinGen allele CA898649049.